The following is an entry in ClinVar:

ClinVar aggregate classification (germline): Uncertain significance. Review status: criteria provided, multiple submitters, no conflicts (2 of 4 stars). 4 submissions from 4 submitters: Uncertain significance (4). Last evaluated 2023-09-22.

Conditions:
Autosomal recessive nonsyndromic hearing loss 9. Also called: AUDITORY NEUROPATHY, AUTOSOMAL RECESSIVE, 1, TEMPERATURE-SENSITIVE; Deafness, autosomal recessive 9; NEUROSENSORY NONSYNDROMIC RECESSIVE DEAFNESS 9; OTOF-Related Hearing Loss. Identifiers: Orphanet 90636, MedGen C1832828, MONDO:0010986, OMIM 601071.
Inborn genetic diseases. Identifiers: MedGen C0950123, MeSH D030342.

Allele frequency attached by ClinVar (database versions not stated): gnomAD 0.00002; TOPMed 0.00001; ExAC 0.00003; gnomAD exomes 0.00003.
gnomAD v4.1: 61 of 1,612,848 alleles (0.0038%); highest among the groups gnomAD compares: South Asian, 0.019%; 1 homozygote.

Submissions (4):

Ambry Genetics
Classification: Uncertain significance for Inborn genetic diseases. Last evaluated: 2023-09-22. Review status: criteria provided, single submitter. Criteria: Ambry Variant Classification Scheme 2023. Collection method: clinical testing. Allele origin: germline.

GeneDx
Classification: Uncertain significance. Last evaluated: 2023-04-14. Review status: criteria provided, single submitter. Criteria: GeneDx Variant Classification Process June 2021. Collection method: clinical testing. Allele origin: germline. Affected: yes.
Comment: In silico analysis supports that this missense variant has a deleterious effect on protein structure/function; Has not been previously published as pathogenic or benign to our knowledge

Fulgent Genetics
Classification: Uncertain significance for Autosomal recessive nonsyndromic hearing loss 9. Last evaluated: 2021-07-15. Review status: criteria provided, single submitter. Criteria: ACMG Guidelines, 2015. Collection method: clinical testing. Allele origin: unknown.

Laboratory for Molecular Medicine, Mass General Brigham Personalized Medicine
Classification: Uncertain significance. Last evaluated: 2012-02-10. Review status: criteria provided, single submitter. Criteria: LMM Criteria. Collection method: clinical testing. Allele origin: germline. Observed: 1 variant allele.
Comment: The Arg568Gln variant in OTOF has not been reported in the literature nor previo usly identified by our laboratory. Computational analyses (biochemical amino aci d properties, conservation, PolyPhen2, SIFT, AlignGVGD) do not provide strong su pport for or against pathogenicity. In summary, the clinical significance of thi s variant cannot be determined with certainty at this time.

NM_194248.3(OTOF):c.1703G>A (p.Arg568Gln)

Gene: OTOF (otoferlin; minus strand). Cytogenetic location: 2p23.3.
Variant type: single nucleotide variant.
Coding change: c.1703G>A on transcript NM_194248.3 (MANE Select); coding-DNA position 1703, G replaced by A.
Protein change: p.Arg568Gln; replaces arginine 568 with glutamine.
Molecular consequence: missense variant.
Genome position (GRCh38, 1-based): chr2:26,480,886, C>T on the plus strand (G>A on the coding strand, the complement: OTOF is on the minus strand). VCF-style: chr2-26480886-C-T. GRCh37 (hg19) VCF-style: chr2-26703754-C-T.
Other names: c.1703G>A, p.Arg568Gln (NM_001287489.2); short protein forms R568Q.
Identifiers: ClinVar variation 48177 (VCV000048177.8), dbSNP rs397517934, ClinGen allele CA142758.